The following is an entry in ClinVar:

NM_000540.3(RYR1):c.8748G>C (p.Lys2916Asn)

Gene: RYR1 (ryanodine receptor 1; plus strand). Cytogenetic location: 19q13.2.
Variant type: single nucleotide variant.
Coding change: c.8748G>C on transcript NM_000540.3 (MANE Select); coding-DNA position 8748, G replaced by C.
Protein change: p.Lys2916Asn; replaces lysine 2916 with asparagine.
Molecular consequence: missense variant.
Genome position (GRCh38, 1-based): chr19:38,506,884, G>C. VCF-style: chr19-38506884-G-C. GRCh37 (hg19) VCF-style: chr19-38997524-G-C.
Other names: c.8748G>C, p.Lys2916Asn (NM_001042723.2); short protein forms K2916N.
Identifiers: ClinVar variation 2837201 (VCV002837201.3), dbSNP rs919368414, ClinGen allele CA405681028.
Genomic context (GRCh38, chr19:38,506,884, plus strand): 5'-CCCAGGCGGTGGGACCCACCCCCTGCTGGTCCCCTACGACACGCTCACGGCCAAGGAGAA[G>C]GCACGAGATCGAGAGAAGGCCCAGGAGCTACTGAAATTCCTGCAGATGAATGGCTACGCG-3'
Protein context (NP_000531.2, residues 2906-2926): VPYDTLTAKE[Lys2916Asn]ARDREKAQEL

ClinVar aggregate classification (germline): Uncertain significance (1 of 4 stars; one submission).

Conditions:
RYR1-related disorder. Also called: RYR1-related condition; RYR1-related disorders. Identifiers: MedGen CN239331.

Submission:

Labcorp Genetics (formerly Invitae), Labcorp
Classification: Uncertain significance for RYR1-related disorder. Last evaluated: 2023-02-14. Review status: criteria provided, single submitter. Criteria: Invitae Variant Classification Sherloc (09022015). Collection method: clinical testing. Allele origin: germline.
Comment: In summary, the available evidence is currently insufficient to determine the role of this variant in disease. Therefore, it has been classified as a Variant of Uncertain Significance. Advanced modeling of protein sequence and biophysical properties (such as structural, functional, and spatial information, amino acid conservation, physicochemical variation, residue mobility, and thermodynamic stability) performed at Invitae indicates that this missense variant is expected to disrupt RYR1 protein function. This variant has not been reported in the literature in individuals affected with RYR1-related conditions. This variant is not present in population databases (gnomAD no frequency). This sequence change replaces lysine, which is basic and polar, with asparagine, which is neutral and polar, at codon 2916 of the RYR1 protein (p.Lys2916Asn).